The following is an entry in ClinVar:

ClinVar aggregate classification (germline): Likely pathogenic (1 of 4 stars; one submission).

Conditions:
Autosomal recessive limb-girdle muscular dystrophy type 2J (LGMDR10). Also called: Limb-girdle muscular dystrophy, type 2J; MUSCULAR DYSTROPHY, LIMB-GIRDLE, AUTOSOMAL RECESSIVE 10. Identifiers: Orphanet 140922, MedGen C1837342, MONDO:0012127, OMIM 608807.
Dilated cardiomyopathy 1G (CMD1G). Identifiers: Orphanet 154, MedGen C1858763, MONDO:0011400, OMIM 604145.

Submission:

Labcorp Genetics (formerly Invitae), Labcorp
Classification: Likely pathogenic for Dilated cardiomyopathy 1G; Autosomal recessive limb-girdle muscular dystrophy type 2J. Last evaluated: 2019-02-07. Review status: criteria provided, single submitter. Criteria: Invitae Variant Classification Sherloc (09022015). Collection method: clinical testing. Allele origin: germline.
Comment: For these reasons, this variant has been classified as Likely Pathogenic. This variant is found in the A-band of this gene. While this particular variant has not been reported in the literature, truncating variants in the A-band of TTN are significantly overrepresented in patients with dilated cardiomyopathy and are considered to be likely pathogenic for the disease (PMID: 25589632). This sequence change creates a premature translational stop signal at codon 23668 (p.Lys23668*) of the TTN gene. It is expected to result in a disrupted protein product.

Literature cited by the submitters: PubMed 25589632.

NM_001267550.2(TTN):c.71002A>T (p.Lys23668Ter)

Genes: TTN (titin; minus strand), TTN-AS1 (TTN antisense RNA 1; plus strand). Cytogenetic location: 2q31.2.
Variant type: single nucleotide variant.
Coding change: c.71002A>T on transcript NM_001267550.2 (MANE Select); coding-DNA position 71002, A replaced by T.
Protein change: p.Lys23668Ter; replaces lysine 23668 with a stop codon.
Molecular consequence: nonsense.
Genome position (GRCh38, 1-based): chr2:178,575,130, T>A on the plus strand (A>T on the coding strand, the complement: TTN is on the minus strand). VCF-style: chr2-178575130-T-A. GRCh37 (hg19) VCF-style: chr2-179439857-T-A.
Other names: c.66079A>T, p.Lys22027Ter (NM_001256850.1); c.43807A>T, p.Lys14603Ter (NM_003319.4); c.63298A>T, p.Lys21100Ter (NM_133378.4); c.44182A>T, p.Lys14728Ter (NM_133432.3); c.44383A>T, p.Lys14795Ter (NM_133437.4); short protein forms K23668*, K14795*, K22027*, K21100*, K14603*, K14728*.
Identifiers: ClinVar variation 466633 (VCV000466633.11), dbSNP rs1553612321, ClinGen allele CA349659824.
Genomic context (GRCh38, chr2:178,575,130, plus strand): 5'-AAGTCGCTGTGGTTTCAAAATTAACTCTCTGTGTCTGTTTAAGAATTTGGTCTCCTTTTT[T>A]CCATGTCACTGTGGGCTTCGGTCGACCGAGCACTGGAATTTCAACTTTGATGTTGTCACC-3'